The following is an entry in ClinVar:

NM_000038.6(APC):c.2307A>T (p.Leu769Phe)

Gene: APC (APC regulator of Wnt signaling pathway; plus strand). Cytogenetic location: 5q22.2.
Variant type: single nucleotide variant.
Coding change: c.2307A>T on transcript NM_000038.6 (MANE Select); coding-DNA position 2307, A replaced by T.
Protein change: p.Leu769Phe; replaces leucine 769 with phenylalanine.
Molecular consequence: missense variant.
Genome position (GRCh38, 1-based): chr5:112,837,901, A>T. VCF-style: chr5-112837901-A-T. GRCh37 (hg19) VCF-style: chr5-112173598-A-T.
Other names: c.2307A>T, p.Leu769Phe (NM_001127510.3, NM_001354895.2); c.2253A>T, p.Leu751Phe (NM_001127511.3); c.2361A>T, p.Leu787Phe (NM_001354896.2); c.2337A>T, p.Leu779Phe (NM_001354897.2); c.2232A>T, p.Leu744Phe (NM_001354898.2); c.2223A>T, p.Leu741Phe (NM_001354899.2); c.2184A>T, p.Leu728Phe (NM_001354900.2); c.2130A>T, p.Leu710Phe (NM_001354901.2); and 5 more; short protein forms L751F, L769F, L728F, L779F, L643F, L678F, L710F, L609F.
Identifiers: ClinVar variation 581966 (VCV000581966.14), dbSNP rs1561576071, ClinGen allele CA16026390.

ClinVar aggregate classification (germline): Uncertain significance. Review status: criteria provided, multiple submitters, no conflicts (2 of 4 stars). 2 submissions from 2 submitters: Uncertain significance (2). Last evaluated 2025-08-24.

Conditions:
Hereditary cancer-predisposing syndrome. Also called: Neoplastic Syndromes, Hereditary; Hereditary Cancer Syndrome; Tumor predisposition; Hereditary neoplastic syndrome. Identifiers: Orphanet 140162, MedGen C0027672, MeSH D009386, MONDO:0015356.
Familial adenomatous polyposis 1 (FAP1). Also called: FAMILIAL ADENOMATOUS POLYPOSIS 1, ATTENUATED; POLYPOSIS, ADENOMATOUS INTESTINAL. Identifiers: MedGen C2713442, MONDO:0021056, OMIM 175100. Disease mechanism: loss of function.

Allele frequency attached by ClinVar (database versions not stated): gnomAD exomes below 0.00001.
gnomAD v4.1: 2 of 1,614,154 alleles (0.00012%); highest among the groups gnomAD compares: Non-Finnish European, 0.00017%; no homozygotes.

Submissions (2):

Ambry Genetics
Classification: Uncertain significance for Hereditary cancer-predisposing syndrome. Last evaluated: 2025-08-24. Review status: criteria provided, single submitter. Criteria: Ambry Variant Classification Scheme 2023. Collection method: clinical testing. Allele origin: germline.
Comment: The p.L769F variant (also known as c.2307A>T), located in coding exon 15 of the APC gene, results from an A to T substitution at nucleotide position 2307. The leucine at codon 769 is replaced by phenylalanine, an amino acid with highly similar properties. This amino acid position is highly conserved in available vertebrate species. In addition, in silico predictors for this gene do not accurately predict pathogenicity. Since supporting evidence is limited at this time, the clinical significance of this alteration remains unclear.

Labcorp Genetics (formerly Invitae), Labcorp
Classification: Uncertain significance for Familial adenomatous polyposis 1. Last evaluated: 2024-06-02. Review status: criteria provided, single submitter. Criteria: Invitae Variant Classification Sherloc (09022015). Collection method: clinical testing. Allele origin: germline.
Comment: This sequence change replaces leucine, which is neutral and non-polar, with phenylalanine, which is neutral and non-polar, at codon 769 of the APC protein (p.Leu769Phe). This variant is not present in population databases (gnomAD no frequency). This variant has not been reported in the literature in individuals affected with APC-related conditions. ClinVar contains an entry for this variant (Variation ID: 581966). Advanced modeling of protein sequence and biophysical properties (such as structural, functional, and spatial information, amino acid conservation, physicochemical variation, residue mobility, and thermodynamic stability) performed at Invitae indicates that this missense variant is not expected to disrupt APC protein function with a negative predictive value of 95%. In summary, the available evidence is currently insufficient to determine the role of this variant in disease. Therefore, it has been classified as a Variant of Uncertain Significance.